The following is an entry in ClinVar:

NM_153717.3(EVC):c.3_4insTATAAGAGACA (p.Ala2fs)

Genes: EVC (EvC ciliary complex subunit 1; plus strand), LOC129992144 (ATAC-STARR-seq lymphoblastoid silent region 15223; plus strand). Cytogenetic location: 4p16.2.
Variant type: Insertion.
Coding change: c.3_4insTATAAGAGACA on transcript NM_153717.3 (MANE Select); coding-DNA positions 3 to 4, TATAAGAGACA inserted.
Protein change: p.Ala2fs; shifts the reading frame from alanine 2.
Molecular consequence: frameshift variant.
Genome position: GRCh38 VCF-style: chr4-5711383-G-GTATAAGAGACA. GRCh37 (hg19) VCF-style: chr4-5713110-G-GTATAAGAGACA.
Other names: c.3_4insTATAAGAGACA, p.Ala2fs (NM_001306090.2, NM_001306092.2); short protein forms A2fs.
Identifiers: ClinVar variation 1726476 (VCV001726476.2), dbSNP rs2474190790, ClinGen allele CA2580070785.

ClinVar aggregate classification (germline): Likely pathogenic (1 of 4 stars; one submission).

Conditions:
Ellis-van Creveld syndrome (EVC). Also called: EVC-Related Ellis-van Creveld Syndrome; EVC2-Related Ellis-van Creveld Syndrome; MESOECTODERMAL DYSPLASIA; Chondroectodermal dysplasia. Identifiers: Orphanet 289, MedGen C0013903, MONDO:0009162, OMIM 225500.

Submission:

Myriad Genetics, Inc.
Classification: Likely pathogenic for Ellis-van Creveld syndrome. Last evaluated: 2021-12-17. Review status: criteria provided, single submitter. Criteria: Myriad Women's Health Autosomal Recessive and X-Linked Classification Criteria (2021). Collection method: clinical testing. Allele origin: unknown.
Comment: NM_153717.2(EVC):c.3_4ins11(A2Yfs*118) is expected to be pathogenic in the context of EVC-related Ellis-van Creveld syndrome. This variant is predicted to lead to an abnormal or absent protein product due to the creation of a premature termination codon in EVC, a gene where loss-of-function variants are known to be pathogenic. Please note: this variant was assessed in the context of healthy population screening.